The following is an entry in ClinVar:

NM_002768.5(CHMP1A):c.*100T>G

Gene: CHMP1A (charged multivesicular body protein 1A; minus strand). Cytogenetic location: 16q24.3.
Variant type: single nucleotide variant.
Coding change: c.*100T>G on transcript NM_002768.5 (MANE Select); 100 bases downstream of the stop codon, T replaced by G.
Molecular consequence: 3 prime UTR variant. On other transcripts: missense variant (1), non-coding transcript variant (1).
Genome position (GRCh38, 1-based): chr16:89,645,966, A>C on the plus strand (T>G on the coding strand, the complement: CHMP1A is on the minus strand). VCF-style: chr16-89645966-A-C. GRCh37 (hg19) VCF-style: chr16-89712374-A-C.
Other names: c.671T>G, p.Leu224Arg (NM_001083314.4); short protein forms L224R.
Identifiers: ClinVar variation 380949 (VCV000380949.2), dbSNP rs117555004, ClinGen allele CA8246871.
Genomic context (GRCh38, chr16:89,645,966, plus strand): 5'-GAACAACCCTAAGGCCACGCAGGCCTGGCAGGTGAGAGACGCAGAGTGGCTGCCGGCCGC[A>C]GCCCCGCGGGGTCAGCACAAAGGCAAGACGCGGTGGGGAGAGGACAGGAGCCTTCCAGCA-3'

ClinVar aggregate classification (germline): Benign. Review status: criteria provided, multiple submitters, no conflicts (2 of 4 stars). 2 submissions from 2 submitters: Benign (2). Last evaluated 2016-05-11.

Allele frequency attached by ClinVar (database versions not stated): ESP Exome Variant Server 0.00308; gnomAD 0.03320; 1000 Genomes Project 0.11082; 1000 Genomes Project 30x 0.09931.
gnomAD v4.1: 31,352 of 1,611,186 alleles (1.9%); highest among the groups gnomAD compares: East Asian, 48%; 5,600 homozygotes.

Submissions (2):

GeneDx
Classification: Benign. Last evaluated: 2016-05-11. Review status: criteria provided, single submitter. Criteria: GeneDx Variant Classification (06012015). Collection method: clinical testing. Allele origin: germline. Affected: yes.
Comment: This variant is considered likely benign or benign based on one or more of the following criteria: it is a conservative change, it occurs at a poorly conserved position in the protein, it is predicted to be benign by multiple in silico algorithms, and/or has population frequency not consistent with disease.

Breakthrough Genomics
Classification: Benign. Review status: criteria provided, single submitter. Criteria: ACMG Guidelines, 2015. Collection method: not provided. Allele origin: germline. Inheritance: Autosomal recessive inheritance. Affected: yes.